The following is an entry in ClinVar:

NM_133259.4(LRPPRC):c.1009G>A (p.Asp337Asn)

Gene: LRPPRC (leucine rich pentatricopeptide repeat containing; minus strand). Cytogenetic location: 2p21.
Variant type: single nucleotide variant.
Coding change: c.1009G>A on transcript NM_133259.4 (MANE Select); coding-DNA position 1009, G replaced by A.
Protein change: p.Asp337Asn; replaces aspartic acid 337 with asparagine.
Molecular consequence: missense variant.
Genome position (GRCh38, 1-based): chr2:43,974,614, C>T on the plus strand (G>A on the coding strand, the complement: LRPPRC is on the minus strand). VCF-style: chr2-43974614-C-T. GRCh37 (hg19) VCF-style: chr2-44201753-C-T.
Other names: short protein forms D337N.
Identifiers: ClinVar variation 1911499 (VCV001911499.5), dbSNP rs2466665158, ClinGen allele CA346673612.

ClinVar aggregate classification (germline): Uncertain significance (1 of 4 stars; one submission).

Submission:

Labcorp Genetics (formerly Invitae), Labcorp
Classification: Uncertain significance. Last evaluated: 2022-01-04. Review status: criteria provided, single submitter. Criteria: Invitae Variant Classification Sherloc (09022015). Collection method: clinical testing. Allele origin: germline.
Comment: In summary, the available evidence is currently insufficient to determine the role of this variant in disease. Therefore, it has been classified as a Variant of Uncertain Significance. Variants that disrupt the consensus splice site are a relatively common cause of aberrant splicing (PMID: 17576681, 9536098). Algorithms developed to predict the effect of sequence changes on RNA splicing suggest that this variant may disrupt the consensus splice site. Algorithms developed to predict the effect of missense changes on protein structure and function are either unavailable or do not agree on the potential impact of this missense change (SIFT: "Deleterious"; PolyPhen-2: "Benign"; Align-GVGD: "Class C0"). This variant has not been reported in the literature in individuals affected with LRPPRC-related conditions. This variant is not present in population databases (gnomAD no frequency). This sequence change replaces aspartic acid, which is acidic and polar, with asparagine, which is neutral and polar, at codon 337 of the LRPPRC protein (p.Asp337Asn). This variant also falls at the last nucleotide of exon 8, which is part of the consensus splice site for this exon.

Literature cited by the submitters: PubMed 17576681; PubMed 9536098.